The following is an entry in ClinVar:

ClinVar aggregate classification (germline): Pathogenic. Review status: criteria provided, multiple submitters, no conflicts (2 of 4 stars). 2 submissions from 2 submitters: Pathogenic (2). Last evaluated 2024-04-02.

Submissions (2):

Labcorp Genetics (formerly Invitae), Labcorp
Classification: Pathogenic. Last evaluated: 2024-04-02. Review status: criteria provided, single submitter. Criteria: Invitae Variant Classification Sherloc (09022015). Collection method: clinical testing. Allele origin: germline.
Comment: This sequence change creates a premature translational stop signal (p.Glu1832*) in the SPTB gene. It is expected to result in an absent or disrupted protein product. Loss-of-function variants in SPTB are known to be pathogenic (PMID: 1391962, 1498324, 8844207, 26830532, 27292444). This variant is not present in population databases (gnomAD no frequency). This variant has not been reported in the literature in individuals affected with SPTB-related conditions. ClinVar contains an entry for this variant (Variation ID: 1331052). For these reasons, this variant has been classified as Pathogenic.

ARUP Laboratories, Molecular Genetics and Genomics, ARUP Laboratories
Classification: Pathogenic. Last evaluated: 2021-09-09. Review status: criteria provided, single submitter. Criteria: ARUP Molecular Germline Variant Investigation Process 2021. Collection method: clinical testing. Allele origin: germline.

Literature cited by the submitters: PubMed 1391962 (cited by Labcorp Genetics (formerly Invitae), Labcorp); PubMed 1498324 (cited by Labcorp Genetics (formerly Invitae), Labcorp); PubMed 8844207 (cited by Labcorp Genetics (formerly Invitae), Labcorp); PubMed 26830532 (cited by Labcorp Genetics (formerly Invitae), Labcorp); PubMed 27292444 (cited by Labcorp Genetics (formerly Invitae), Labcorp).

NM_001355436.2(SPTB):c.5494G>T (p.Glu1832Ter)

Gene: SPTB (spectrin beta, erythrocytic; minus strand). Cytogenetic location: 14q23.3.
Variant type: single nucleotide variant.
Coding change: c.5494G>T on transcript NM_001355436.2 (MANE Select); coding-DNA position 5494, G replaced by T.
Protein change: p.Glu1832Ter; replaces glutamic acid 1832 with a stop codon.
Molecular consequence: nonsense.
Genome position (GRCh38, 1-based): chr14:64,772,639, C>A on the plus strand (G>T on the coding strand, the complement: SPTB is on the minus strand). VCF-style: chr14-64772639-C-A. GRCh37 (hg19) VCF-style: chr14-65239357-C-A.
Other names: c.5494G>T, p.Glu1832Ter (NM_001024858.4, NM_001355437.2); short protein forms E1832*.
Identifiers: ClinVar variation 1331052 (VCV001331052.9), dbSNP rs532526634, ClinGen allele CA390040789.